The following is an entry in ClinVar:

NM_203486.3(DLL3):c.602_614dup (p.Pro206fs)

Genes: DLL3 (delta like canonical Notch ligand 3; plus strand), LOC130064417 (ATAC-STARR-seq lymphoblastoid silent region 10608; plus strand). Cytogenetic location: 19q13.2.
Variant type: Duplication.
Coding change: c.602_614dup on transcript NM_203486.3 (MANE Select); coding-DNA positions 602 to 614, 13 bases duplicated (GTCCGGGACTGCG).
Protein change: p.Pro206fs; shifts the reading frame from proline 206.
Molecular consequence: frameshift variant.
Genome position (GRCh38, 1-based): chr19:39,503,007-39,503,019, GTCCGGGACTGCG duplicated; duplicating any 13 consecutive bases within chr19:39,503,003-39,503,019 gives the same sequence; the c. name uses the placement nearest the transcript's 3' end. VCF-style (leftmost placement, unchanged base first): chr19-39503002-G-GTGCGGTCCGGGAC. GRCh37 (hg19) VCF-style: chr19-39993642-G-GTGCGGTCCGGGAC.
Other names: c.602_614dup, p.Pro206fs (NM_016941.4); c.602_614dupGTCCGGGACTGCG (NM_016941.4); short protein forms P206fs.
Identifiers: ClinVar variation 2736891 (VCV002736891.4), dbSNP rs2079619560, ClinGen allele CA995816060.

ClinVar aggregate classification (germline): Pathogenic. Review status: criteria provided, multiple submitters, no conflicts (2 of 4 stars). 2 submissions from 2 submitters: Pathogenic (2). Last evaluated 2025-04-11.

Conditions:
Spondylocostal dysostosis 1, autosomal recessive (SCDO1). Also called: DLL3-Related Spondylocostal Dysostosis, Autosomal Recessive. Identifiers: Orphanet 2311, MedGen CN032975, MONDO:0020692, OMIM 277300.

Submissions (2):

First Genomix Gene Laboratory, Genetic Diagnostics Department
Classification: Pathogenic for Spondylocostal dysostosis 1, autosomal recessive. Last evaluated: 2025-04-11. Review status: criteria provided, single submitter. Criteria: ACMG Guidelines, 2015. Collection method: clinical testing. Allele origin: germline. Inheritance: Autosomal recessive inheritance. Affected: no. Observed: 1 variant allele.

Labcorp Genetics (formerly Invitae), Labcorp
Classification: Pathogenic. Last evaluated: 2023-06-15. Review status: criteria provided, single submitter. Criteria: Invitae Variant Classification Sherloc (09022015). Collection method: clinical testing. Allele origin: germline.
Comment: This sequence change creates a premature translational stop signal (p.Pro206Serfs*14) in the DLL3 gene. It is expected to result in an absent or disrupted protein product. Loss-of-function variants in DLL3 are known to be pathogenic (PMID: 12746394). For these reasons, this variant has been classified as Pathogenic. This variant is also known as 614ins13. This premature translational stop signal has been observed in individual(s) with spondylocostal dysostosis (PMID: 12746394). This variant is not present in population databases (gnomAD no frequency).

Literature cited by the submitters: PubMed 12746394 (cited by Labcorp Genetics (formerly Invitae), Labcorp).